The following is an entry in ClinVar:

NM_000512.5(GALNS):c.1387G>T (p.Glu463Ter)

Genes: GALNS (galactosamine (N-acetyl)-6-sulfatase; minus strand), LOC126862447 (CDK7 strongly-dependent group 2 enhancer GRCh37_chr16:88884193-88885392; plus strand). Cytogenetic location: 16q24.3.
Variant type: single nucleotide variant.
Coding change: c.1387G>T on transcript NM_000512.5 (MANE Select); coding-DNA position 1387, G replaced by T.
Protein change: p.Glu463Ter; replaces glutamic acid 463 with a stop codon.
Molecular consequence: nonsense.
Genome position (GRCh38, 1-based): chr16:88,818,102, C>A on the plus strand (G>T on the coding strand, the complement: GALNS is on the minus strand). VCF-style: chr16-88818102-C-A. GRCh37 (hg19) VCF-style: chr16-88884510-C-A.
Other names: p.Glu463Ter; c.832G>T, p.Glu278Ter (NM_001323543.2); c.1405G>T, p.Glu469Ter (NM_001323544.2); short protein forms E278*, E463*, E469*.
Identifiers: ClinVar variation 2627396 (VCV002627396.3), dbSNP rs2508367418, ClinGen allele CA397094589.

ClinVar aggregate classification (germline): Likely pathogenic. Review status: criteria provided, multiple submitters, no conflicts (2 of 4 stars). 2 submissions from 2 submitters: Likely pathogenic (2). Last evaluated 2023-12-08.

Conditions:
Mucopolysaccharidosis, MPS-IV-A (MPS4A). Also called: MPS IVA; mucopolysaccharidosis type 4A; Morquio syndrome A, mild; MORQUIO SYNDROME A; GALACTOSAMINE-6-SULFATASE DEFICIENCY; GALNS DEFICIENCY. Identifiers: Orphanet 309297, Orphanet 582, MedGen C0086651, MONDO:0009659, OMIM 253000.

Submissions (2):

Foundation for Research in Genetics and Endocrinology, FRIGE's Institute of Human Genetics
Classification: Likely pathogenic for Mucopolysaccharidosis, MPS-IV-A. Last evaluated: 2023-12-08. Review status: criteria provided, single submitter. Criteria: ACMG Guidelines, 2015. Collection method: clinical testing. Allele origin: germline. Inheritance: Autosomal recessive inheritance. Affected: yes. Observed: 1 homozygote.
Comment: A homozygous nonsense variation in exon 13 of the GALNS gene that results in a stop codon and premature truncation of the protein at codon 463 was detected. The observed variant c.1387G>T (p.Glu463Ter) has not been reported in 1000 genomes and gnomAD databases. The in-silico prediction of the variant is disease causing by MutationTaster2 and DANN. The reference codon is conserved across species. In summary, the variant meets our criteria to be classified as a likely pathogenic.

Neuberg Centre For Genomic Medicine, NCGM
Classification: Likely pathogenic for Mucopolysaccharidosis, MPS-IV-A. Review status: criteria provided, single submitter. Criteria: ACMG Guidelines, 2015. Collection method: clinical testing. Allele origin: germline. Inheritance: Autosomal recessive inheritance. Affected: yes.
Comment: The stop gained p.E463* in GALNS (NM_000512.5) has not been reported previously as a pathogenic variant nor as a benign variant, to our knowledge. The p.E463* variant is novel (not in any individuals) in gnomAD Exomes and is novel (not in any individuals) in 1000 Genomes. This variant is predicted to cause loss of normal protein function through protein truncation. The p.E463* variant is a loss of function variant in the gene GALNS, which is intolerant of Loss of Function variants. For these reasons, this variant has been classified as Likely Pathogenic.